The following is an entry in ClinVar:

ClinVar aggregate classification (germline): Uncertain significance (1 of 4 stars; one submission).

Conditions:
Dilated cardiomyopathy 1G (CMD1G). Identifiers: Orphanet 154, MedGen C1858763, MONDO:0011400, OMIM 604145.
Autosomal recessive limb-girdle muscular dystrophy type 2J (LGMDR10). Also called: Limb-girdle muscular dystrophy, type 2J; MUSCULAR DYSTROPHY, LIMB-GIRDLE, AUTOSOMAL RECESSIVE 10. Identifiers: Orphanet 140922, MedGen C1837342, MONDO:0012127, OMIM 608807.

Allele frequency attached by ClinVar (database versions not stated): TOPMed below 0.00001; gnomAD exomes 0.00001.
gnomAD v4.1: 4 of 1,613,980 alleles (0.00025%); no homozygotes.

Submission:

Labcorp Genetics (formerly Invitae), Labcorp
Classification: Uncertain significance for Dilated cardiomyopathy 1G; Autosomal recessive limb-girdle muscular dystrophy type 2J. Last evaluated: 2024-06-29. Review status: criteria provided, single submitter. Criteria: Invitae Variant Classification Sherloc (09022015). Collection method: clinical testing. Allele origin: germline.
Comment: This sequence change replaces isoleucine, which is neutral and non-polar, with phenylalanine, which is neutral and non-polar, at codon 33750 of the TTN protein (p.Ile33750Phe). This variant is not present in population databases (gnomAD no frequency). This variant has not been reported in the literature in individuals affected with TTN-related conditions. ClinVar contains an entry for this variant (Variation ID: 1367677). Experimental studies and prediction algorithms are not available or were not evaluated, and the functional significance of this variant is currently unknown. This variant is located in the M band of TTN (PMID: 25589632). Non-truncating variants in this region may be relevant for neuromuscular disorders, but have not been definitively shown to cause cardiomyopathy (PMID: 23975875). In summary, the available evidence is currently insufficient to determine the role of this variant in disease. Therefore, it has been classified as a Variant of Uncertain Significance.

Literature cited by the submitters: PubMed 25589632; PubMed 23975875.

NM_001267550.2(TTN):c.101248A>T (p.Ile33750Phe)

Genes: TTN (titin; minus strand), TTN-AS1 (TTN antisense RNA 1; plus strand). Cytogenetic location: 2q31.2.
Variant type: single nucleotide variant.
Coding change: c.101248A>T on transcript NM_001267550.2 (MANE Select); coding-DNA position 101248, A replaced by T.
Protein change: p.Ile33750Phe; replaces isoleucine 33750 with phenylalanine.
Molecular consequence: missense variant.
Genome position (GRCh38, 1-based): chr2:178,535,367, T>A on the plus strand (A>T on the coding strand, the complement: TTN is on the minus strand). VCF-style: chr2-178535367-T-A. GRCh37 (hg19) VCF-style: chr2-179400094-T-A.
Other names: c.96325A>T, p.Ile32109Phe (NM_001256850.1); c.74053A>T, p.Ile24685Phe (NM_003319.4); c.93544A>T, p.Ile31182Phe (NM_133378.4); c.74428A>T, p.Ile24810Phe (NM_133432.3); c.74629A>T, p.Ile24877Phe (NM_133437.4); short protein forms I24685F, I24877F, I24810F, I32109F, I33750F, I31182F.
Identifiers: ClinVar variation 1367677 (VCV001367677.6), dbSNP rs1690954165, ClinGen allele CA349421147.